The following is an entry in ClinVar:

NM_016343.4(CENPF):c.4348T>A (p.Ser1450Thr)

Gene: CENPF (centromere protein F; plus strand). Cytogenetic location: 1q41.
Variant type: single nucleotide variant.
Coding change: c.4348T>A on transcript NM_016343.4 (MANE Select); coding-DNA position 4348, T replaced by A.
Protein change: p.Ser1450Thr; replaces serine 1450 with threonine.
Molecular consequence: missense variant.
Genome position (GRCh38, 1-based): chr1:214,642,686, T>A. VCF-style: chr1-214642686-T-A. GRCh37 (hg19) VCF-style: chr1-214816029-T-A.
Other names: short protein forms S1450T.
Identifiers: ClinVar variation 422455 (VCV000422455.3), dbSNP rs200151949, ClinGen allele CA1390574.

ClinVar aggregate classification (germline): Uncertain significance (1 of 4 stars; one submission).

Allele frequency attached by ClinVar (database versions not stated): TOPMed 0.00012 and 0.00014; gnomAD 0.00006 and 0.00012; ExAC 0.00006; ESP Exome Variant Server 0.00015.
gnomAD v4.1: 396 of 1,614,038 alleles (0.025%); highest among the groups gnomAD compares: Non-Finnish European, 0.031%; no homozygotes.

Submission:

GeneDx
Classification: Uncertain significance. Last evaluated: 2023-05-25. Review status: criteria provided, single submitter. Criteria: GeneDx Variant Classification Process June 2021. Collection method: clinical testing. Allele origin: germline. Affected: yes.
Comment: In silico analysis supports that this missense variant does not alter protein structure/function; Has not been previously published as pathogenic or benign to our knowledge